The following is an entry in ClinVar:

ClinVar aggregate classification (germline): Uncertain significance (1 of 4 stars; one submission).

Allele frequency attached by ClinVar (database versions not stated): gnomAD 0.00001; TOPMed 0.00002; ExAC 0.00004.
gnomAD v4.1: 13 of 1,563,662 alleles (0.00083%); highest among the groups gnomAD compares: Admixed American, 0.016%; no homozygotes.

Submission:

Labcorp Genetics (formerly Invitae), Labcorp
Classification: Uncertain significance. Last evaluated: 2022-08-12. Review status: criteria provided, single submitter. Criteria: Invitae Variant Classification Sherloc (09022015). Collection method: clinical testing. Allele origin: germline.
Comment: In summary, the available evidence is currently insufficient to determine the role of this variant in disease. Therefore, it has been classified as a Variant of Uncertain Significance. Algorithms developed to predict the effect of missense changes on protein structure and function (SIFT, PolyPhen-2, Align-GVGD) all suggest that this variant is likely to be tolerated. This variant has not been reported in the literature in individuals affected with AIMP2-related conditions. This variant is present in population databases (rs746270222, gnomAD 0.01%). This sequence change replaces histidine, which is basic and polar, with tyrosine, which is neutral and polar, at codon 43 of the AIMP2 protein (p.His43Tyr).

NM_006303.4(AIMP2):c.127C>T (p.His43Tyr)

Genes: AIMP2 (aminoacyl tRNA synthetase complex interacting multifunctional protein 2; plus strand), LOC129997917 (ATAC-STARR-seq lymphoblastoid silent region 17931; plus strand). Cytogenetic location: 7p22.1.
Variant type: single nucleotide variant.
Coding change: c.127C>T on transcript NM_006303.4 (MANE Select); coding-DNA position 127, C replaced by T.
Protein change: p.His43Tyr; replaces histidine 43 with tyrosine.
Molecular consequence: missense variant. On other transcripts: 5 prime UTR variant (1), intron variant (3).
Genome position (GRCh38, 1-based): chr7:6,009,490, C>T. VCF-style: chr7-6009490-C-T. GRCh37 (hg19) VCF-style: chr7-6049121-C-T.
Other names: c.-194C>T (NM_001326609.2); c.-238+112C>T (NM_001326611.3); c.-251+112C>T (NM_001326610.2); c.15+112C>T (NM_001326606.2); c.127C>T, p.His43Tyr (NM_001326607.2); short protein forms H43Y.
Identifiers: ClinVar variation 2184670 (VCV002184670.2), dbSNP rs746270222, ClinGen allele CA4150217.